The following is an entry in ClinVar:

NM_183235.3(RAB27A):c.220G>C (p.Asp74His)

Gene: RAB27A (RAB27A, member RAS oncogene family; minus strand). Cytogenetic location: 15q21.3.
Variant type: single nucleotide variant.
Coding change: c.220G>C on transcript NM_183235.3 (MANE Select); coding-DNA position 220, G replaced by C.
Protein change: p.Asp74His; replaces aspartic acid 74 with histidine.
Molecular consequence: missense variant.
Genome position (GRCh38, 1-based): chr15:55,230,420, C>G on the plus strand (G>C on the coding strand, the complement: RAB27A is on the minus strand). VCF-style: chr15-55230420-C-G. GRCh37 (hg19) VCF-style: chr15-55522618-C-G.
Other names: c.220G>C, p.Asp74His (NM_004580.5, NM_183234.3, NM_183236.3); short protein forms D74H.
Identifiers: ClinVar variation 2137719 (VCV002137719.5), dbSNP rs1895983324, ClinGen allele CA392530600.

ClinVar aggregate classification (germline): Likely pathogenic. Review status: criteria provided, multiple submitters, no conflicts (2 of 4 stars). 2 submissions from 2 submitters: Likely pathogenic (2). Last evaluated 2026-02-26.

Conditions:
Griscelli syndrome type 2 (GS2). Also called: GRISCELLI SYNDROME WITH HEMOPHAGOCYTIC SYNDROME; PAID SYNDROME; PARTIAL ALBINISM AND IMMUNODEFICIENCY SYNDROME. Identifiers: Orphanet 381, Orphanet 79477, MedGen C1868679, MONDO:0011872, OMIM 607624.

Submissions (2):

Genetics and Genomic Medicine Centre, NeuroGen Healthcare, NeuroGen Healthcare
Classification: Likely pathogenic for Griscelli syndrome type 2. Last evaluated: 2026-02-26. Review status: criteria provided, single submitter. Criteria: ACMG Guidelines, 2015. Collection method: clinical testing. Allele origin: unknown. Affected: yes.

Labcorp Genetics (formerly Invitae), Labcorp
Classification: Likely pathogenic for Griscelli syndrome type 2. Last evaluated: 2023-03-20. Review status: criteria provided, single submitter. Criteria: Invitae Variant Classification Sherloc (09022015). Collection method: clinical testing. Allele origin: germline.
Comment: Advanced modeling of protein sequence and biophysical properties (such as structural, functional, and spatial information, amino acid conservation, physicochemical variation, residue mobility, and thermodynamic stability) performed at Invitae indicates that this missense variant is expected to disrupt RAB27A protein function. ClinVar contains an entry for this variant (Variation ID: 2137719). This missense change has been observed in individual(s) with Griscelli syndrome type 2 (PMID: 27016801). This variant is not present in population databases (gnomAD no frequency). This sequence change replaces aspartic acid, which is acidic and polar, with histidine, which is basic and polar, at codon 74 of the RAB27A protein (p.Asp74His). Experimental studies have shown that this missense change affects RAB27A function (PMID: 27016801). This variant disrupts the p.Asp74 amino acid residue in RAB27A. Other variant(s) that disrupt this residue have been observed in individuals with RAB27A-related conditions (PMID: 22475297), which suggests that this may be a clinically significant amino acid residue. In summary, the currently available evidence indicates that the variant is pathogenic, but additional data are needed to prove that conclusively. Therefore, this variant has been classified as Likely Pathogenic.

Literature cited by the submitters: PubMed 27016801 (cited by Labcorp Genetics (formerly Invitae), Labcorp); PubMed 22475297 (cited by Labcorp Genetics (formerly Invitae), Labcorp).